The following is an entry in ClinVar:

ClinVar aggregate classification (germline): Uncertain significance (1 of 4 stars; one submission).

Conditions:
Ullrich congenital muscular dystrophy 2 (UCMD2). Identifiers: Orphanet 75840, MedGen C4225314, MONDO:0014654, OMIM 616470.
Bethlem myopathy 2 (BTHLM2). Identifiers: Orphanet 536516, Orphanet 610, MedGen C4225313, MONDO:0034022, OMIM 616471.

Submission:

Labcorp Genetics (formerly Invitae), Labcorp
Classification: Uncertain significance for Bethlem myopathy 2; Ullrich congenital muscular dystrophy 2. Last evaluated: 2024-11-19. Review status: criteria provided, single submitter. Criteria: Invitae Variant Classification Sherloc (09022015). Collection method: clinical testing. Allele origin: germline.
Comment: This sequence change replaces glutamine, which is neutral and polar, with glutamic acid, which is acidic and polar, at codon 2925 of the COL12A1 protein (p.Gln2925Glu). This variant is not present in population databases (gnomAD no frequency). This variant has not been reported in the literature in individuals affected with COL12A1-related conditions. An algorithm developed to predict the effect of missense changes on protein structure and function (PolyPhen-2) suggests that this variant is likely to be tolerated. In summary, the available evidence is currently insufficient to determine the role of this variant in disease. Therefore, it has been classified as a Variant of Uncertain Significance.

NM_004370.6(COL12A1):c.8773C>G (p.Gln2925Glu)

Gene: COL12A1 (collagen type XII alpha 1 chain; minus strand). Cytogenetic location: 6q13.
Variant type: single nucleotide variant.
Coding change: c.8773C>G on transcript NM_004370.6 (MANE Select); coding-DNA position 8773, C replaced by G.
Protein change: p.Gln2925Glu; replaces glutamine 2925 with glutamic acid.
Molecular consequence: missense variant.
Genome position (GRCh38, 1-based): chr6:75,090,278, G>C on the plus strand (C>G on the coding strand, the complement: COL12A1 is on the minus strand). VCF-style: chr6-75090278-G-C. GRCh37 (hg19) VCF-style: chr6-75799994-G-C.
Other names: c.8773C>G, p.Gln2925Glu (NM_001424113.1); c.8752C>G, p.Gln2918Glu (NM_001424114.1); c.8500C>G, p.Gln2834Glu (NM_001424115.1); c.5281C>G, p.Gln1761Glu (NM_001424116.1, NM_080645.3); short protein forms Q1761E, Q2834E, Q2918E, Q2925E.
Identifiers: ClinVar variation 3757179 (VCV003757179.2).